The following is an entry in ClinVar:

ClinVar aggregate classification (germline): Likely benign. Review status: criteria provided, multiple submitters, no conflicts (2 of 4 stars). 3 submissions from 3 submitters: Likely benign (2). 1 of the submissions does not count toward it. Last evaluated 2026-09-01.

Conditions:
GAS2L2-related disorder. Also called: GAS2L2-related condition.

Allele frequency attached by ClinVar (database versions not stated): 1000 Genomes Project 30x 0.00016; 1000 Genomes Project 0.00020; ExAC 0.00041; gnomAD 0.00054; ESP Exome Variant Server 0.00108.

Submissions (3):

CeGaT Center for Human Genetics Tuebingen
Classification: Likely benign. Last evaluated: 2026-09-01. Review status: criteria provided, single submitter. Criteria: CeGaT Center For Human Genetics Tuebingen Variant Classification Criteria Version 2. Collection method: clinical testing. Allele origin: germline. Affected: yes. Observed: 2 variant alleles.
Comment: GAS2L2: BP4, BP7

Blueprint Genetics
Classification: Likely benign. Last evaluated: 2024-09-25. Review status: criteria provided, single submitter. Criteria: ACMG Guidelines, 2015. Collection method: clinical testing. Allele origin: germline.

PreventionGenetics, part of Exact Sciences
Classification: Likely benign for GAS2L2-related condition. Last evaluated: 2024-01-31. Review status: no assertion criteria provided. Collection method: clinical testing. Allele origin: germline. Not counted in ClinVar's aggregate classification.
Comment: This variant is classified as likely benign based on ACMG/AMP sequence variant interpretation guidelines (Richards et al. 2015 PMID: 25741868, with internal and published modifications).

NM_139285.4(GAS2L2):c.432G>C (p.Val144=)

Gene: GAS2L2 (growth arrest specific 2 like 2; minus strand). Cytogenetic location: 17q12.
Variant type: single nucleotide variant.
Coding change: c.432G>C on transcript NM_139285.4 (MANE Select); coding-DNA position 432, G replaced by C.
Protein change: p.Val144=; no amino-acid change (valine 144 retained).
Molecular consequence: synonymous variant.
Genome position (GRCh38, 1-based): chr17:35,750,272, C>G on the plus strand (G>C on the coding strand, the complement: GAS2L2 is on the minus strand). VCF-style: chr17-35750272-C-G. GRCh37 (hg19) VCF-style: chr17-34077291-C-G.
Identifiers: ClinVar variation 3041556 (VCV003041556.10), dbSNP rs138124177, ClinGen allele CA8506429.